The following is an entry in ClinVar:

ClinVar aggregate classification (germline): Uncertain significance (1 of 4 stars; one submission).

gnomAD v4.1: 1 of 1,610,278 alleles (0.000062%); highest among the groups gnomAD compares: Admixed American, 0.0017%; no homozygotes.

Submission:

GeneDx
Classification: Uncertain significance. Last evaluated: 2025-03-20. Review status: criteria provided, single submitter. Criteria: GeneDx Variant Classification Process June 2021. Collection method: clinical testing. Allele origin: germline. Affected: yes.
Comment: Not observed at significant frequency in large population cohorts (gnomAD); Nonsense variant predicted to result in protein truncation or nonsense mediated decay in a gene or region of a gene for which loss of function is not a well-established mechanism of disease; Has not been previously published as pathogenic or benign to our knowledge

NM_015656.2(KIF26A):c.778C>T (p.Arg260Ter)

Gene: KIF26A (kinesin family member 26A; plus strand). Cytogenetic location: 14q32.33.
Variant type: single nucleotide variant.
Coding change: c.778C>T on transcript NM_015656.2 (MANE Select); coding-DNA position 778, C replaced by T.
Protein change: p.Arg260Ter; replaces arginine 260 with a stop codon.
Molecular consequence: nonsense.
Genome position (GRCh38, 1-based): chr14:104,157,797, C>T. VCF-style: chr14-104157797-C-T. GRCh37 (hg19) VCF-style: chr14-104624134-C-T.
Other names: short protein forms R260*.
Identifiers: ClinVar variation 4086312 (VCV004086312.1).